The following is an entry in ClinVar:

ClinVar aggregate classification (germline): Uncertain significance (1 of 4 stars; one submission).

Conditions:
Hypertrophic cardiomyopathy. Also called: HYPERTROPHIC MYOCARDIOPATHY. Identifiers: Orphanet 217569, MedGen C0007194, MeSH D002312, MONDO:0005045, HP:0001639.

gnomAD v4.1: 2 of 1,612,182 alleles (0.00012%); highest among the groups gnomAD compares: South Asian, 0.0022%; no homozygotes.

Submission:

Labcorp Genetics (formerly Invitae), Labcorp
Classification: Uncertain significance for Hypertrophic cardiomyopathy. Last evaluated: 2025-01-23. Review status: criteria provided, single submitter. Criteria: Invitae Variant Classification Sherloc (09022015). Collection method: clinical testing. Allele origin: germline.
Comment: This sequence change replaces serine, which is neutral and polar, with asparagine, which is neutral and polar, at codon 424 of the MYBPC3 protein (p.Ser424Asn). This variant is present in population databases (no rsID available, gnomAD 0.003%). This variant has not been reported in the literature in individuals affected with MYBPC3-related conditions. An algorithm developed to predict the effect of missense changes on protein structure and function (PolyPhen-2) suggests that this variant is likely to be tolerated. In summary, the available evidence is currently insufficient to determine the role of this variant in disease. Therefore, it has been classified as a Variant of Uncertain Significance.

NM_000256.3(MYBPC3):c.1271G>A (p.Ser424Asn)

Gene: MYBPC3 (myosin binding protein C3; minus strand). Cytogenetic location: 11p11.2.
Variant type: single nucleotide variant.
Coding change: c.1271G>A on transcript NM_000256.3 (MANE Select); coding-DNA position 1271, G replaced by A.
Protein change: p.Ser424Asn; replaces serine 424 with asparagine.
Molecular consequence: missense variant.
Genome position (GRCh38, 1-based): chr11:47,343,101, C>T on the plus strand (G>A on the coding strand, the complement: MYBPC3 is on the minus strand). VCF-style: chr11-47343101-C-T. GRCh37 (hg19) VCF-style: chr11-47364652-C-T.
Other names: short protein forms S424N.
Identifiers: ClinVar variation 3683506 (VCV003683506.2).